The following is an entry in ClinVar:

NM_001130004.2(ACTN1):c.554G>A (p.Arg185Gln)

Gene: ACTN1 (actinin alpha 1; minus strand). Cytogenetic location: 14q24.1.
Variant type: single nucleotide variant.
Coding change: c.554G>A on transcript NM_001130004.2 (MANE Select); coding-DNA position 554, G replaced by A.
Protein change: p.Arg185Gln; replaces arginine 185 with glutamine.
Molecular consequence: missense variant. On other transcripts: 5 prime UTR variant (1).
Genome position (GRCh38, 1-based): chr14:68,909,358, C>T on the plus strand (G>A on the coding strand, the complement: ACTN1 is on the minus strand). VCF-style: chr14-68909358-C-T. GRCh37 (hg19) VCF-style: chr14-69376075-C-T.
Other names: c.491G>A, p.Arg164Gln (NM_001424022.1, NM_001424018.1, NM_001424020.1); c.554G>A, p.Arg185Gln (NM_001424023.1, NM_001424024.1, NM_001424025.1 and 9 more transcripts); c.359G>A, p.Arg120Gln (NM_001424026.1, NM_001424028.1, NM_001411036.1); c.-357G>A (NM_001424030.1); c.680G>A, p.Arg227Gln (NM_001424013.1); c.641G>A, p.Arg214Gln (NM_001424015.1); c.551G>A, p.Arg184Gln (NM_001424017.1); c.485G>A, p.Arg162Gln (NM_001424021.1); short protein forms R120Q, R162Q, R164Q, R184Q, R185Q, R214Q, R227Q.
Identifiers: ClinVar variation 3616214 (VCV003616214.2).

ClinVar aggregate classification (germline): Uncertain significance (1 of 4 stars; one submission).

gnomAD v4.1: 14 of 1,613,926 alleles (0.00087%); highest among the groups gnomAD compares: African/African-American, 0.011%; no homozygotes.

Submission:

Labcorp Genetics (formerly Invitae), Labcorp
Classification: Uncertain significance. Last evaluated: 2025-05-13. Review status: criteria provided, single submitter. Criteria: Invitae Variant Classification Sherloc (09022015). Collection method: clinical testing. Allele origin: germline.
Comment: This sequence change replaces arginine, which is basic and polar, with glutamine, which is neutral and polar, at codon 185 of the ACTN1 protein (p.Arg185Gln). This variant is present in population databases (rs377191250, gnomAD 0.03%). This variant has not been reported in the literature in individuals affected with ACTN1-related conditions. ClinVar contains an entry for this variant (Variation ID: 3616214). Invitae Evidence Modeling of protein sequence and biophysical properties (such as structural, functional, and spatial information, amino acid conservation, physicochemical variation, residue mobility, and thermodynamic stability) indicates that this missense variant is expected to disrupt ACTN1 protein function with a positive predictive value of 80%. In summary, the available evidence is currently insufficient to determine the role of this variant in disease. Therefore, it has been classified as a Variant of Uncertain Significance.